The following continues an entry in ClinVar:

NM_000059.4(BRCA2):c.7007G>A (p.Arg2336His)

Gene: BRCA2. ClinVar aggregate classification (germline): Pathogenic. Pathogenic (1). ClinVar aggregate classification (oncogenicity): Oncogenic.

Submissions 20 to 29 of 50:

Genomic Medicine Center of Excellence, King Faisal Specialist Hospital and Research Centre
Classification: Pathogenic for Breast-ovarian cancer, familial, susceptibility to, 2. Last evaluated: 2024-03-17. Review status: criteria provided, single submitter. Criteria: ACMG Guidelines, 2015. Collection method: research. Allele origin: germline. Not counted in ClinVar's aggregate classification.

Baylor Genetics
Classification: Pathogenic for Familial cancer of breast. Last evaluated: 2024-01-05. Review status: criteria provided, single submitter. Criteria: ACMG Guidelines, 2015. Collection method: clinical testing. Allele origin: unknown. Not counted in ClinVar's aggregate classification.

ARUP Laboratories, Molecular Genetics and Genomics, ARUP Laboratories
Classification: Pathogenic. Last evaluated: 2023-09-14. Review status: criteria provided, single submitter. Criteria: ARUP Molecular Germline Variant Investigation Process 2024. Collection method: clinical testing. Allele origin: germline. Not counted in ClinVar's aggregate classification.
Comment: The BRCA2 c.7007G>A; p.Arg2336His variant (rs28897743) is reported in the literature in individuals affected with breast and/or ovarian cancer and Fanconi anemia (Ahmad 2012, Coppa 2014, Fanale 2020, Ghazwani 2016). This variant is also reported in ClinVar (Variation ID: 38077) and is classified as pathogenic by the evidence-based network for the interpretation of germline mutant alleles (ENIGMA) expert panel (see link to ENIGMA consortium classification criteria). This variant occurs in the last nucleotide of exon 13, and computational analyses (Alamut v.2.11) predict that this variant may impact splicing by weakening the nearby canonical donor splice site. Consistent with this, transcript analyses demonstrate skipping of exon 13 or exons 12 and 13 in patient cells carrying this variant (Biswas 2011, Houdayer 2012, Sanz 2010). Based on the above information, this variant is considered to be pathogenic. References: Link to ENIGMA classification criteria: Ahmad J et al. Detection of BRCA1/2 mutations in breast cancer patients from Thailand and Pakistan. Clin Genet. 2012 Dec;82(6):594-8. PMID: 22486713. Biswas K et al. A comprehensive functional characterization of BRCA2 variants associated with Fanconi anemia using mouse ES cell-based assay. Blood. 2011 Sep 1;118(9):2430-42. PMID: 21719596. Coppa A et al. Novel and recurrent BRCA2 mutations in Italian breast/ovarian cancer families widen the ovarian cancer cluster region boundaries to exons 13 and 14. Breast Cancer Res Treat. 2014 Dec;148(3):629-35. PMID: 25395318. Fanale D et al. Detection of Germline Mutations in a Cohort of 139 Patients with Bilateral Breast Cancer by Multi-Gene Panel Testing: Impact of Pathogenic Variants in Other Genes beyond BRCA1/2. Cancers (Basel). 2020 Aug 25;12(9):2415. PMID: 32854451. Ghazwani Y et al. Clinical characteristics and genetic subtypes of Fanconi anemia in Saudi patients. Cancer Genet. 2016 Apr;209(4):171-6. PMID: 26968956. Houdayer C et al. Guidelines for splicing analysis in molecular diagnosis derived from a set of 327 combined in silico/in vitro studies on BRCA1 and BRCA2 variants. Hum Mutat. 2012 Aug;33(8):1228-38. PMID: 22505045. Sanz DJ et al. A high proportion of DNA variants of BRCA1 and BRCA2 is associated with aberrant splicing in breast/ovarian cancer patients. Clin Cancer Res. 2010 Mar 15;16(6):1957-67. PMID: 20215541.

GeneDx
Classification: Pathogenic. Last evaluated: 2023-08-15. Review status: criteria provided, single submitter. Criteria: GeneDx Variant Classification Process June 2021. Collection method: clinical testing. Allele origin: germline. Affected: yes. Not counted in ClinVar's aggregate classification.
Comment: Located at the last nucleotide of the exon and demonstrated to result in aberrant splicing, producing transcripts skipping exons 13 and exons 12-13, which lead to protein truncation or nonsense-mediated decay (Thomassen et al., 2006; Sanz et al., 2010; Biswas et al., 2011; Mesman et al., 2020); Observed in individuals with personal or family history of BRCA2-related cancers (Martin et al., 2001; Coppa et al., 2014; Bu et al., 2016; Lang et al., 2017; Kowalik et al., 2018; Fanale et al., 2020); Observed in the compound heterozygous or homozygous state in individuals with Fanconi anemia (Howlett et al., 2002; Degrolard-Courcet et al., 2014; Ghazwani et al., 2016); Multifactorial likelihood analysis suggests this variant is pathogenic (Parsons et al., 2019); Not observed at significant frequency in large population cohorts (gnomAD); In silico analysis is inconclusive as to whether the variant alters gene splicing.; Also known as 7235G>A; This variant is associated with the following publications: (PMID: 16115142, 15645491, 25556971, 27884173, 28477318, 28541631, 11304778, 29310832, 34290354, 32438681, 15026808, 28888541, 33754277, 31558676, 31921681, 29176636, 20215541, 18489799, 22505045, 22486713, 24301060, 21719596, 18451181, 16825431, 16792514, 25395318, 26968956, 27082205, 28294317, 28503720, 28476184, 17924331, 29297111, 28152038, 29907814, 28724667, 25186627, 29084914, 29387975, 30040829, 29565420, 15356654, 12065746, 32854451, 32398771, 33293522, 30214071, 29446198, 30825404, 31065452, 31131967, 34026625, 31825140, 31589614, 32719484, 32853339, 30787465, 35886069, 35494038, 34515413, 34178674, 35382848)

KCCC/NGS Laboratory, Kuwait Cancer Control Center
Classification: Pathogenic for Breast-ovarian cancer, familial, susceptibility to, 2. Last evaluated: 2023-06-06. Review status: criteria provided, single submitter. Criteria: ACMG Guidelines, 2015. Collection method: clinical testing. Allele origin: germline. Affected: yes. Not counted in ClinVar's aggregate classification.
Comment: A known pathogenic mutation was detected in the BRCA2 gene. This sequence change replaces arginine with histidine at codon 2336 of the BRCA2 protein (p.Arg2336His). RNA analysis indicates that this variant induces altered splicing and may result in an absent or disrupted protein product. This variant is not present in population databases (ExAC no frequency). This variant has been observed in individuals affected with breast and/or ovarian cancer, Fanconi anemia, and acute myeloid leukemia (PMID: 22486713, 25395318, 12065746, 16115142, 26968956, 22430266). This variant is also known as 7235G>A in the literature. ClinVar contains an entry for this variant (Variation ID: 38077) with 26 submissions, all of which describe it as pathogenic, 3 stars, reviewed by expert panel. In silico predictions show this variant to pathogenic (PMID: 27124784). Nucleotide substitutions within the consensus splice site are a relatively common cause of aberrant splicing (PMID: 17576681, 9536098). Experimental studies have shown that this variant disrupts mRNA splicing and is expected to lead to the loss of protein expression (PMID: 16792514, 22505045, 20215541). Other variant(s) that disrupt this nucleotide have been determined to be pathogenic (PMID: 9150172, 22399190, 20960228, 21548014, 17576681, 9536098, 22505045). Therefore, this variant has been classified as Pathogenic.

Clinical Genetics Laboratory, Skane University Hospital Lund
Classification: Pathogenic. Last evaluated: 2022-11-17. Review status: criteria provided, single submitter. Criteria: ACMG Guidelines, 2015. Collection method: clinical testing. Allele origin: germline. Affected: yes. Not counted in ClinVar's aggregate classification.

Mayo Clinic Laboratories, Mayo Clinic
Classification: Pathogenic. Last evaluated: 2022-04-26. Review status: criteria provided, single submitter. Criteria: ACMG Guidelines, 2015. Collection method: clinical testing. Allele origin: germline. Observed: 1 variant allele. Not counted in ClinVar's aggregate classification.
Comment: PP5, PM2, PM3, PS3, PS4_moderate

Fulgent Genetics
Classification: Pathogenic for Familial cancer of breast; Medulloblastoma; Familial prostate cancer; Wilms tumor 1; Fanconi anemia complementation group D1; Breast-ovarian cancer, familial, susceptibility to, 2; Glioma susceptibility 3; Pancreatic cancer, susceptibility to, 2. Last evaluated: 2021-10-07. Review status: criteria provided, single submitter. Criteria: ACMG Guidelines, 2015. Collection method: clinical testing. Allele origin: unknown. Not counted in ClinVar's aggregate classification.

Quest Diagnostics Nichols Institute San Juan Capistrano
Classification: Pathogenic. Last evaluated: 2021-09-16. Review status: criteria provided, single submitter. Criteria: Quest Diagnostics criteria. Collection method: clinical testing. Allele origin: unknown. Not counted in ClinVar's aggregate classification.
Comment: In the published literature, in vitro functional studies have shown that this variant has a deleterious effect on BRCA2 mRNA splicing and causes the synthesis of BRCA2 mRNA without exons 12 and/or 13 (PMIDs: 22505045 (2012), 16792514 (2006)). This variant has also been reported in affected individuals with breast and/or ovarian cancer as well as Fanconi anemia (PMIDs: 30825404 (2019), 25395318 (2014), 18489799 (2008), 12065746 (2002)). Based on the available information, this variant is classified as pathogenic.

Sema4
Classification: Pathogenic for Hereditary cancer-predisposing syndrome. Last evaluated: 2021-08-23. Review status: criteria provided, single submitter. Criteria: Sema4 Curation Guidelines. Collection method: curation. Allele origin: germline. Not counted in ClinVar's aggregate classification.
Comment: The BRCA2 c.7007G>A (p.R2336H) variant has been reported in heterozygosity in at least 30 individuals with breast and/or ovarian cancer (PMID: 25186627, 28294317, 30825404, 2661312, 29161300) and Fanconi anemia (PMID 21719596, 12065746, 26968956). Functional studies have shown that this variant alters the splicing resulting in skipping of exon 13 (PMID: 20215541, 21719596, 22505045). It is also known as 7235G>A in the literature. This variant is not reported in the population database Genome Aggregation Database (PMID: 32461654). This variant has been reported in ClinVar (Variation ID: 38077). Two different pathogenic changes at this position, c.7007G>T and c.7007G>C, have also been reported in individuals affected with breast and/or ovarian cancer (PMID: 30078507, 31782247, 31742824, 29446198, 32341426). Based on the current evidence available, this variant is interpreted as pathogenic.